The following is an entry in ClinVar:

ClinVar aggregate classification (germline): Conflicting classifications of pathogenicity. Review status: criteria provided, conflicting classifications (1 of 4 stars). 6 submissions from 6 submitters: Uncertain significance (1); Benign (1); Likely benign (3). 1 of the submissions does not count toward it. Last evaluated 2026-06-01.

Conditions:
Treacher Collins syndrome 3 (TCS3). Also called: POLR1C-Related Treacher Collins Syndrome. Identifiers: Orphanet 861, MedGen C1855433, MONDO:0009558, OMIM 248390.
POLR1C-related disorder. Also called: POLR1C-related condition; POLR1C-related disorders. Identifiers: MedGen CN239394, MONDO:0700278.

Allele frequency attached by ClinVar (database versions not stated): 1000 Genomes Project 0.00260; 1000 Genomes Project 30x 0.00312; TOPMed 0.00345; gnomAD 0.00379 and 0.00388; ESP Exome Variant Server 0.00408; gnomAD exomes 0.00444 and 0.00565; ExAC 0.00528.
gnomAD v4.1: 8,770 of 1,614,146 alleles (0.54%); highest among the groups gnomAD compares: Non-Finnish European, 0.66%; 31 homozygotes.

Submissions (6):

CeGaT Center for Human Genetics Tuebingen
Classification: Likely benign. Last evaluated: 2026-06-01. Review status: criteria provided, single submitter. Criteria: CeGaT Center For Human Genetics Tuebingen Variant Classification Criteria Version 2. Collection method: clinical testing. Allele origin: germline. Affected: yes. Observed: 23 variant alleles.
Comment: POLR1C: BP4, BS2

Blueprint Genetics
Classification: Likely benign. Last evaluated: 2024-11-13. Review status: criteria provided, single submitter. Criteria: ACMG Guidelines, 2015. Collection method: clinical testing. Allele origin: germline.

Mayo Clinic Laboratories, Mayo Clinic
Classification: Benign. Last evaluated: 2024-06-04. Review status: criteria provided, single submitter. Criteria: ACMG Guidelines, 2015. Collection method: clinical testing. Allele origin: germline. Observed: 5 variant alleles.
Comment: BA1, BP4, BP7

Illumina Laboratory Services, Illumina
Classification: Uncertain significance for Treacher Collins syndrome 3. Last evaluated: 2018-01-12. Review status: criteria provided, single submitter. Criteria: ICSL Variant Classification Criteria 13 December 2019. Collection method: clinical testing. Allele origin: germline.

Genetic Services Laboratory, University of Chicago
Classification: Likely benign. Last evaluated: 2016-02-19. Review status: criteria provided, single submitter. Criteria: ACMG Guidelines, 2015. Collection method: clinical testing. Allele origin: germline. Affected: no.

PreventionGenetics, part of Exact Sciences
Classification: Benign for POLR1C-related condition. Last evaluated: 2019-11-05. Review status: no assertion criteria provided. Collection method: clinical testing. Allele origin: germline. Not counted in ClinVar's aggregate classification.
Comment: This variant is classified as benign based on ACMG/AMP sequence variant interpretation guidelines (Richards et al. 2015 PMID: 25741868, with internal and published modifications).

NM_203290.4(POLR1C):c.-4G>A

Genes: POLR1C (RNA polymerase I and III subunit C; plus strand), LOC129996517 (ATAC-STARR-seq lymphoblastoid active region 24602; plus strand). Cytogenetic location: 6p21.1.
Variant type: single nucleotide variant.
Coding change: c.-4G>A on transcript NM_203290.4 (MANE Select); 4 bases upstream of the start codon, G replaced by A.
Molecular consequence: 5 prime UTR variant.
Genome position (GRCh38, 1-based): chr6:43,517,106, G>A. VCF-style: chr6-43517106-G-A. GRCh37 (hg19) VCF-style: chr6-43484844-G-A.
Other names: c.-4G>A (NM_001318876.2, NM_001363658.2, NM_203290.3).
Identifiers: ClinVar variation 356868 (VCV000356868.54), dbSNP rs2231756, ClinGen allele CA3825258.